The following is an entry in ClinVar:

ClinVar aggregate classification (germline): Uncertain significance. Review status: criteria provided, multiple submitters, no conflicts (2 of 4 stars). 2 submissions from 2 submitters: Uncertain significance (2). Last evaluated 2021-05-18.

Allele frequency attached by ClinVar (database versions not stated): gnomAD exomes below 0.00001; TOPMed 0.00001.
gnomAD v4.1: 6 of 1,608,504 alleles (0.00037%); highest among the groups gnomAD compares: Non-Finnish European, 0.00051%; no homozygotes.

Submissions (2):

Labcorp Genetics (formerly Invitae), Labcorp
Classification: Uncertain significance. Last evaluated: 2021-05-18. Review status: criteria provided, single submitter. Criteria: Invitae Variant Classification Sherloc (09022015). Collection method: clinical testing. Allele origin: germline.
Comment: This sequence change replaces arginine with tryptophan at codon 3206 of the SPEG protein (p.Arg3206Trp). The arginine residue is highly conserved and there is a moderate physicochemical difference between arginine and tryptophan. This variant is not present in population databases (ExAC no frequency). This variant has not been reported in the literature in individuals with SPEG-related conditions. ClinVar contains an entry for this variant (Variation ID: 453149). Algorithms developed to predict the effect of missense changes on protein structure and function are either unavailable or do not agree on the potential impact of this missense change (SIFT: "Deleterious"; PolyPhen-2: "Probably Damaging"; Align-GVGD: "Class C0"). In summary, the available evidence is currently insufficient to determine the role of this variant in disease. Therefore, it has been classified as a Variant of Uncertain Significance.

GeneDx
Classification: Uncertain significance. Last evaluated: 2018-11-13. Review status: criteria provided, single submitter. Criteria: GeneDx Variant Classification (06012015). Collection method: clinical testing. Allele origin: germline. Affected: yes.
Comment: The R3206W variant in the SPEG gene has not been reported previously as a pathogenic variant, nor as a benign variant, to our knowledge. The R3206W variant is not observed in large population cohorts (Lek et al., 2016). The R3206W variant is a non-conservative amino acid substitution, which is likely to impact secondary protein structure as these residues differ in polarity, charge, size and/or other properties. This substitution occurs at a position that is conserved across species. In silico analysis predicts this variant is probably damaging to the protein structure/function. We interpret R3206W as a variant of uncertain significance.

NM_005876.5(SPEG):c.9616C>T (p.Arg3206Trp)

Genes: ASIC4-AS1 (ASIC4 antisense RNA 1; minus strand), SPEG (striated muscle enriched protein kinase; plus strand). Cytogenetic location: 2q35.
Variant type: single nucleotide variant.
Coding change: c.9616C>T on transcript NM_005876.5 (MANE Select); coding-DNA position 9616, C replaced by T.
Protein change: p.Arg3206Trp; replaces arginine 3206 with tryptophan.
Molecular consequence: missense variant.
Genome position (GRCh38, 1-based): chr2:219,492,598, C>T. VCF-style: chr2-219492598-C-T. GRCh37 (hg19) VCF-style: chr2-220357320-C-T.
Other names: short protein forms R3206W.
Identifiers: ClinVar variation 453149 (VCV000453149.9), dbSNP rs1553622240, ClinGen allele CA350719308.